The following is an entry in ClinVar:

ClinVar aggregate classification (germline): Benign. Review status: criteria provided, multiple submitters, no conflicts (2 of 4 stars). 5 submissions from 5 submitters: Benign (5). Last evaluated 2026-02-01.

Conditions:
ALG8 congenital disorder of glycosylation. Also called: CONGENITAL DISORDER OF GLYCOSYLATION, TYPE Ih; CDG Ih; ALG8-CDG. Identifiers: Orphanet 79325, MedGen C2931002, MONDO:0011969, OMIM 608104.

Allele frequency attached by ClinVar (database versions not stated): gnomAD exomes 0.00451 and 0.01162; ExAC 0.01405; gnomAD 0.04376 and 0.04685; 1000 Genomes Project 0.04513; ESP Exome Variant Server 0.04737; 1000 Genomes Project 30x 0.04763; TOPMed 0.04928.
gnomAD v4.1: 13,576 of 1,614,042 alleles (0.84%); highest among the groups gnomAD compares: African/African-American, 15%; 898 homozygotes.

Submissions (5):

Labcorp Genetics (formerly Invitae), Labcorp
Classification: Benign for ALG8 congenital disorder of glycosylation. Last evaluated: 2026-02-01. Review status: criteria provided, single submitter. Criteria: Invitae Variant Classification Sherloc (09022015). Collection method: clinical testing. Allele origin: germline.

Mayo Clinic Laboratories, Mayo Clinic
Classification: Benign. Last evaluated: 2022-03-09. Review status: criteria provided, single submitter. Criteria: ACMG Guidelines, 2015. Collection method: clinical testing. Allele origin: germline. Observed: 28 variant alleles.

GeneDx
Classification: Benign. Last evaluated: 2018-07-09. Review status: criteria provided, single submitter. Criteria: GeneDx Variant Classification Process June 2021. Collection method: clinical testing. Allele origin: germline. Affected: yes.

Illumina Laboratory Services, Illumina
Classification: Benign for ALG8 congenital disorder of glycosylation. Last evaluated: 2018-01-12. Review status: criteria provided, single submitter. Criteria: ICSL Variant Classification Criteria 13 December 2019. Collection method: clinical testing. Allele origin: germline.
Comment: This variant was observed in the ICSL laboratory as part of a predisposition screen in an ostensibly healthy population. It had not been previously curated by ICSL or reported in the Human Gene Mutation Database (HGMD: prior to June 1st, 2018), and was therefore a candidate for classification through an automated scoring system. Utilizing variant allele frequency, disease prevalence and penetrance estimates, and inheritance mode, an automated score was calculated to assess if this variant is too frequent to cause the disease. Based on the score and internal cut-off values, a variant classified as benign is not then subjected to further curation. The score for this variant resulted in a classification of benign for this disease.

Breakthrough Genomics
Classification: Benign. Review status: criteria provided, single submitter. Criteria: ACMG Guidelines, 2015. Collection method: not provided. Allele origin: germline. Inheritance: Autosomal recessive inheritance. Affected: yes.

NM_024079.5(ALG8):c.862T>C (p.Leu288=)

Gene: ALG8 (ALG8 alpha-1,3-glucosyltransferase; minus strand). Cytogenetic location: 11q14.1.
Variant type: single nucleotide variant.
Coding change: c.862T>C on transcript NM_024079.5 (MANE Select); coding-DNA position 862, T replaced by C.
Protein change: p.Leu288=; no amino-acid change (leucine 288 retained).
Molecular consequence: synonymous variant.
Genome position (GRCh38, 1-based): chr11:78,112,686, A>G on the plus strand (T>C on the coding strand, the complement: ALG8 is on the minus strand). VCF-style: chr11-78112686-A-G. GRCh37 (hg19) VCF-style: chr11-77823732-A-G.
Other names: p.Leu288=; c.862T>C, p.Leu288= (NM_001007027.3).
Identifiers: ClinVar variation 306219 (VCV000306219.18), dbSNP rs61995924, ClinGen allele CA6203315.